The following is an entry in ClinVar:

NM_002661.5(PLCG2):c.3615G>C (p.Arg1205Ser)

Gene: PLCG2 (phospholipase C gamma 2; plus strand). Cytogenetic location: 16q23.3.
Variant type: single nucleotide variant.
Coding change: c.3615G>C on transcript NM_002661.5 (MANE Select); coding-DNA position 3615, G replaced by C.
Protein change: p.Arg1205Ser; replaces arginine 1205 with serine.
Molecular consequence: missense variant.
Genome position (GRCh38, 1-based): chr16:81,956,739, G>C. VCF-style: chr16-81956739-G-C. GRCh37 (hg19) VCF-style: chr16-81990344-G-C.
Other names: c.3615G>C (NM_002661.3); short protein forms R1205S.
Identifiers: ClinVar variation 1043423 (VCV001043423.9), dbSNP rs1395093005, ClinGen allele CA396898255.

ClinVar aggregate classification (germline): Uncertain significance. Review status: criteria provided, multiple submitters, no conflicts (2 of 4 stars). 2 submissions from 2 submitters: Uncertain significance (2). Last evaluated 2025-10-01.

Conditions:
Familial cold autoinflammatory syndrome 3 (FCAS3). Also called: ANTIBODY DEFICIENCY AND IMMUNE DYSREGULATION, PLCG2-ASSOCIATED; FAMILIAL ATYPICAL COLD URTICARIA. Identifiers: Orphanet 300359, MedGen C3280914, MONDO:0013766, OMIM 614468.
Inborn genetic diseases. Identifiers: MedGen C0950123, MeSH D030342.

Allele frequency attached by ClinVar (database versions not stated): gnomAD 0.00001; gnomAD exomes 0.00001.
gnomAD v4.1: 4 of 1,614,024 alleles (0.00025%); highest among the groups gnomAD compares: African/African-American, 0.0013%; no homozygotes.

Submissions (2):

Labcorp Genetics (formerly Invitae), Labcorp
Classification: Uncertain significance for Familial cold autoinflammatory syndrome 3. Last evaluated: 2025-10-01. Review status: criteria provided, single submitter. Criteria: Invitae Variant Classification Sherloc (09022015). Collection method: clinical testing. Allele origin: germline.
Comment: This sequence change replaces arginine, which is basic and polar, with serine, which is neutral and polar, at codon 1205 of the PLCG2 protein (p.Arg1205Ser). This variant is present in population databases (no rsID available, gnomAD 0.01%). This variant has not been reported in the literature in individuals affected with PLCG2-related conditions. ClinVar contains an entry for this variant (Variation ID: 1043423). An algorithm developed to predict the effect of missense changes on protein structure and function (PolyPhen-2) suggests that this variant is likely to be tolerated. In summary, the available evidence is currently insufficient to determine the role of this variant in disease. Therefore, it has been classified as a Variant of Uncertain Significance.

Ambry Genetics
Classification: Uncertain significance for Inborn genetic diseases. Last evaluated: 2025-05-16. Review status: criteria provided, single submitter. Criteria: Ambry Variant Classification Scheme 2023. Collection method: clinical testing. Allele origin: germline.